The following is an entry in ClinVar:

NM_000534.5(PMS1):c.605G>A (p.Arg202Lys)

Gene: PMS1 (PMS1 homolog 1, mismatch repair system component; plus strand). Cytogenetic location: 2q32.2.
Variant type: single nucleotide variant.
Coding change: c.605G>A on transcript NM_000534.5 (MANE Select); coding-DNA position 605, G replaced by A.
Protein change: p.Arg202Lys; replaces arginine 202 with lysine.
Molecular consequence: missense variant. On other transcripts: intron variant (2).
Genome position (GRCh38, 1-based): chr2:189,843,986, G>A. VCF-style: chr2-189843986-G-A. GRCh37 (hg19) VCF-style: chr2-190708712-G-A.
Other names: c.605G>A, p.Arg202Lys (NM_001128144.2, NM_001321045.2, NM_001321047.2 and 1 more transcripts); c.77G>A, p.Arg26Lys (NM_001289408.2, NM_001289409.2); c.422G>A, p.Arg141Lys (NM_001321046.2); c.583-8669G>A (NM_001128143.2, NM_001321044.2); short protein forms R202K, R141K, R26K.
Identifiers: ClinVar variation 135046 (VCV000135046.6), dbSNP rs2066459, ClinGen allele CA161510.

ClinVar aggregate classification (germline): Likely benign. Review status: criteria provided, multiple submitters, no conflicts (2 of 4 stars). 4 submissions from 4 submitters: Likely benign (2). 2 of the submissions do not count toward it. Last evaluated 2020-05-03.

Conditions:
Hereditary breast ovarian cancer syndrome. Also called: Hereditary breast and ovarian cancer; Breast and ovarian cancer; Hereditary breast and ovarian cancer syndrome (HBOC); Hereditary breast and/or ovarian cancer syndrome; Hereditary breast and ovarian cancer syndrome; BRCA1- and BRCA2-Associated Hereditary Breast and Ovarian Cancer. Identifiers: Orphanet 145, MedGen C0677776, MeSH D061325, MONDO:0003582. Disease mechanism: loss of function.

Allele frequency attached by ClinVar (database versions not stated): gnomAD 0.00741 and 0.00790; TOPMed 0.00778; 1000 Genomes Project 0.00799; 1000 Genomes Project 30x 0.00843; ESP Exome Variant Server 0.00853; gnomAD exomes 0.01131 and 0.01172; ExAC 0.01205.

Submissions (4):

Genomic Research Center, Shahid Beheshti University of Medical Sciences
Classification: Likely benign for Hereditary breast and ovarian cancer syndrome. Last evaluated: 2020-05-03. Review status: criteria provided, single submitter. Criteria: ACMG Guidelines, 2015. Collection method: clinical testing. Allele origin: unknown. Affected: yes.

Breakthrough Genomics
Classification: Likely benign. Review status: criteria provided, single submitter. Criteria: ACMG Guidelines, 2015. Collection method: not provided. Allele origin: germline. Inheritance: Unknown mechanism. Affected: yes.

ITMI
No classification provided. Condition: AllHighlyPenetrant. Last evaluated: 2013-09-19. Review status: no classification provided. Collection method: reference population. Allele origin: germline. Not counted in ClinVar's aggregate classification.
Comment: Please see associated publication for description of ethnicities

Department of Pathology and Laboratory Medicine, Sinai Health System
Classification: Likely benign. Review status: no assertion criteria provided. Collection method: clinical testing. Allele origin: unknown. Affected: yes. Study: The Canadian Open Genetics Repository (COGR). Not counted in ClinVar's aggregate classification.
Comment: The PMS1 p.Arg202Lys variant was identified in a study by Bodian et al. (2014) which reports that this variant falls on the portion of the protein distal to the DNA-binding site and is likely to have weaker effects on protein function and hence cancer risk. The variant was identified in dbSNP (ID: rs2066459) as "With Uncertain significance allele". In ClinVar, the variant was classified as uncertain significance by three submitters: Illumina, Genomic Research Center (Shahid Beheshti University of Medical Sciences) and ITMI. The associated conditions are Lynch syndrome and hereditary breast and ovarian cancer syndrome. The variant was found in the LOVD 3.0 database, however it was not identified in Cosmic. The variant was identified in control databases in 3077 of 282642 chromosomes (26 homozygous) at a frequency of 0.010887 increasing the likelihood this could be a low frequency benign variant (Genome Aggregation Database Feb 27, 2017). The variant was observed in the following populations: South Asian in 727 of 30610 chromosomes (freq: 0.02375), Other in 104 of 7214 chromosomes (freq: 0.01442), Ashkenazi Jewish in 148 of 10362 chromosomes (freq: 0.01428), European (non-Finnish) in 1758 of 129018 chromosomes (freq: 0.01363), Latino in 228 of 35426 chromosomes (freq: 0.006436), European (Finnish) in 63 of 25096 chromosomes (freq: 0.00251), African in 47 of 24970 chromosomes (freq: 0.001882), East Asian in 2 of 19946 chromosomes (freq: 0.0001). The variant was also identified in the following control databases: the 1000 Genomes Project, the NHLBI GO Exome Sequencing Project and the Exome Aggregation Consortium (August 8th 2016). The variant occurs outside of the splicing consensus sequence and in silico or computational prediction software programs (SpliceSiteFinder, MaxEntScan, NNSPLICE, and GeneSplicer) do not predict a difference in splicing. The p.Arg202 residue is conserved in mammals but not in more distantly related organisms, however four out of five computational analyses (PolyPhen-2, SIFT, AlignGVGD, and BLOSUM) do not suggest a high likelihood of impact to the protein; this information is not predictive enough to rule out pathogenicity. In summary, based on the above information the clinical significance of this variant cannot be determined with certainty at this time although we would lean towards a more benign role for this variant. This variant is classified as likely benign.

Literature cited by the submitters: PubMed 24728327 (cited by ITMI).